The following is an entry in ClinVar:

ClinVar aggregate classification (germline): Likely benign. Review status: criteria provided, multiple submitters, no conflicts (2 of 4 stars). 5 submissions from 5 submitters: Likely benign (5). Last evaluated 2026-02-03.

Conditions:
Hereditary cancer-predisposing syndrome. Also called: Tumor predisposition; Hereditary Cancer Syndrome; Neoplastic Syndromes, Hereditary; Hereditary neoplastic syndrome. Identifiers: Orphanet 140162, MedGen C0027672, MeSH D009386, MONDO:0015356.

Allele frequency attached by ClinVar (database versions not stated): gnomAD exomes 0.00001; ExAC 0.00002; gnomAD 0.00005; TOPMed 0.00006.
gnomAD v4.1: 19 of 1,613,778 alleles (0.0012%); highest among the groups gnomAD compares: African/African-American, 0.011%; no homozygotes.

Submissions (5):

Labcorp Genetics (formerly Invitae), Labcorp
Classification: Likely benign. Last evaluated: 2026-02-03. Review status: criteria provided, single submitter. Criteria: Invitae Variant Classification Sherloc (09022015). Collection method: clinical testing. Allele origin: germline.

Blueprint Genetics
Classification: Likely benign. Last evaluated: 2024-03-07. Review status: criteria provided, single submitter. Criteria: ACMG Guidelines, 2015. Collection method: clinical testing. Allele origin: germline.

CeGaT Center for Human Genetics Tuebingen
Classification: Likely benign. Last evaluated: 2022-11-01. Review status: criteria provided, single submitter. Criteria: CeGaT Center For Human Genetics Tuebingen Variant Classification Criteria Version 2. Collection method: clinical testing. Allele origin: germline. Affected: yes. Observed: 1 variant allele.
Comment: POLE: BP4, BP7

GeneDx
Classification: Likely benign. Last evaluated: 2019-02-09. Review status: criteria provided, single submitter. Criteria: GeneDx Variant Classification Process June 2021. Collection method: clinical testing. Allele origin: germline. Affected: yes.

Ambry Genetics
Classification: Likely benign for Hereditary cancer-predisposing syndrome. Last evaluated: 2015-08-21. Review status: criteria provided, single submitter. Criteria: Ambry Variant Classification Scheme 2023. Collection method: clinical testing. Allele origin: germline.

NM_006231.4(POLE):c.6606G>A (p.Thr2202=)

Gene: POLE (DNA polymerase epsilon, catalytic subunit; minus strand). Cytogenetic location: 12q24.33.
Variant type: single nucleotide variant.
Coding change: c.6606G>A on transcript NM_006231.4 (MANE Select); coding-DNA position 6606, G replaced by A.
Protein change: p.Thr2202=; no amino-acid change (threonine 2202 retained).
Molecular consequence: synonymous variant.
Genome position (GRCh38, 1-based): chr12:132,625,696, C>T on the plus strand (G>A on the coding strand, the complement: POLE is on the minus strand). VCF-style: chr12-132625696-C-T. GRCh37 (hg19) VCF-style: chr12-133202282-C-T.
Identifiers: ClinVar variation 240607 (VCV000240607.42), dbSNP rs11146982, ClinGen allele CA6892120.